The following is an entry in ClinVar:

ClinVar aggregate classification (germline): Uncertain significance (1 of 4 stars; one submission).

Submission:

Women's Health and Genetics/Laboratory Corporation of America, LabCorp
Classification: Uncertain significance. Last evaluated: 2026-05-13. Review status: criteria provided, single submitter. Criteria: LabCorp Variant Classification Summary - May 2015. Collection method: clinical testing. Allele origin: germline.
Comment: Variant summary: PHIP c.4418G>C (p.Ser1473Thr) results in a conservative amino acid change in the encoded protein sequence. Algorithms developed to predict the effect of missense changes on protein structure and function all suggest that this variant is likely to be tolerated. The variant was absent in 250690 control chromosomes. The available data on variant occurrences in the general population are insufficient to allow any conclusion about variant significance. To our knowledge, no occurrence of c.4418G>C in individuals affected with PHIP-related conditions and no experimental evidence demonstrating its impact on protein function have been reported. No submitters have cited clinical-significance assessments for this variant to ClinVar. Based on the evidence outlined above, the variant was classified as uncertain significance.

NM_017934.7(PHIP):c.4418G>C (p.Ser1473Thr)

Genes: IRAK1BP1 (interleukin 1 receptor associated kinase 1 binding protein 1; plus strand), PHIP (PHIP subunit of CUL4-Ring ligase complex; minus strand). Cytogenetic location: 6q14.1.
Variant type: single nucleotide variant.
Coding change: c.4418G>C on transcript NM_017934.7 (MANE Select); coding-DNA position 4418, G replaced by C.
Protein change: p.Ser1473Thr; replaces serine 1473 with threonine.
Molecular consequence: missense variant.
Genome position (GRCh38, 1-based): chr6:78,946,213, C>G on the plus strand (G>C on the coding strand, the complement: PHIP is on the minus strand). VCF-style: chr6-78946213-C-G. GRCh37 (hg19) VCF-style: chr6-79655930-C-G.
Other names: short protein forms S1473T.
Identifiers: ClinVar variation 4853154 (VCV004853154.1).